The following is an entry in ClinVar:

NM_031475.3(ESPN):c.2172G>A (p.Pro724=)

Gene: ESPN (espin; plus strand). Cytogenetic location: 1p36.31.
Variant type: single nucleotide variant.
Coding change: c.2172G>A on transcript NM_031475.3 (MANE Select); coding-DNA position 2172, G replaced by A.
Protein change: p.Pro724=; no amino-acid change (proline 724 retained).
Molecular consequence: synonymous variant.
Genome position (GRCh38, 1-based): chr1:6,451,943, G>A. VCF-style: chr1-6451943-G-A. GRCh37 (hg19) VCF-style: chr1-6512003-G-A.
Other names: c.2172G>A (NM_031475.2); c.2082G>A, p.Pro694= (NM_001367473.1); c.2109G>A, p.Pro703= (NM_001367474.1).
Identifiers: ClinVar variation 2077038 (VCV002077038.6), dbSNP rs781377643, ClinGen allele CA560410.
Genomic context (GRCh38, chr1:6,451,943, plus strand): 5'-CCCCACACCGCCAGCTGCGGGGTTTCAGCCGCTGCTCAATGGAAGCTTGGTTCCCGTGCC[G>A]CCCACTACTCCTGCGCCGGGAGTGCAGCTGGACGTGGAGGCTCTCATCCCCACGCACGAT-3'
Protein context (NP_113663.2, residues 714-734): PLLNGSLVPV[Pro724=]PTTPAPGVQL

ClinVar aggregate classification (germline): Likely benign. Review status: criteria provided, multiple submitters, no conflicts (2 of 4 stars). 3 submissions from 3 submitters: Likely benign (3). Last evaluated 2025-02-07.

Conditions:
ESPN-related disorder. Also called: ESPN-related condition.

Allele frequency attached by ClinVar (database versions not stated): gnomAD exomes 0.00003; TOPMed 0.00006; gnomAD 0.00007; ExAC 0.00008.
gnomAD v4.1: 45 of 1,610,456 alleles (0.0028%); highest among the groups gnomAD compares: Admixed American, 0.02%; no homozygotes.

Submissions (3):

PreventionGenetics, part of Exact Sciences
Classification: Likely benign for ESPN-related condition. Last evaluated: 2025-02-07. Review status: criteria provided, single submitter. Criteria: ACMG Guidelines, 2015. Collection method: clinical testing. Allele origin: germline.
Comment: This variant is classified as likely benign based on ACMG/AMP sequence variant interpretation guidelines (Richards et al. 2015 PMID: 25741868, with internal and published modifications).

Blueprint Genetics
Classification: Likely benign. Last evaluated: 2024-06-10. Review status: criteria provided, single submitter. Criteria: ACMG Guidelines, 2015. Collection method: clinical testing. Allele origin: germline.

Labcorp Genetics (formerly Invitae), Labcorp
Classification: Likely benign. Last evaluated: 2023-10-09. Review status: criteria provided, single submitter. Criteria: Invitae Variant Classification Sherloc (09022015). Collection method: clinical testing. Allele origin: germline.